The following is an entry in ClinVar:

NM_001386140.1(MTTP):c.2378A>T (p.Asp793Val)

Gene: MTTP (microsomal triglyceride transfer protein; plus strand). Cytogenetic location: 4q23.
Variant type: single nucleotide variant.
Coding change: c.2378A>T on transcript NM_001386140.1 (MANE Select); coding-DNA position 2378, A replaced by T.
Protein change: p.Asp793Val; replaces aspartic acid 793 with valine.
Molecular consequence: missense variant.
Genome position (GRCh38, 1-based): chr4:99,621,096, A>T. VCF-style: chr4-99621096-A-T. GRCh37 (hg19) VCF-style: chr4-100542253-A-T.
Other names: c.2378A>T, p.Asp793Val (NM_000253.4); c.2129A>T, p.Asp710Val (NM_001300785.2); short protein forms D793V, D710V.
Identifiers: ClinVar variation 2048296 (VCV002048296.1), dbSNP rs780797954, ClinGen allele CA357519466.

ClinVar aggregate classification (germline): Uncertain significance (1 of 4 stars; one submission).

gnomAD v4.1: 1 of 1,613,842 alleles (0.000062%); highest among the groups gnomAD compares: South Asian, 0.0011%; no homozygotes.

Submission:

Labcorp Genetics (formerly Invitae), Labcorp
Classification: Uncertain significance. Last evaluated: 2021-12-19. Review status: criteria provided, single submitter. Criteria: Invitae Variant Classification Sherloc (09022015). Collection method: clinical testing. Allele origin: germline.
Comment: This sequence change replaces aspartic acid, which is acidic and polar, with valine, which is neutral and non-polar, at codon 793 of the MTTP protein (p.Asp793Val). This variant is not present in population databases (gnomAD no frequency). This variant has not been reported in the literature in individuals affected with MTTP-related conditions. Algorithms developed to predict the effect of missense changes on protein structure and function are either unavailable or do not agree on the potential impact of this missense change (SIFT: "Deleterious"; PolyPhen-2: "Benign"; Align-GVGD: "Class C0"). In summary, the available evidence is currently insufficient to determine the role of this variant in disease. Therefore, it has been classified as a Variant of Uncertain Significance.